The following is an entry in ClinVar:

ClinVar aggregate classification (germline): Pathogenic (1 of 4 stars; one submission).

Submission:

GeneDx
Classification: Pathogenic. Last evaluated: 2019-10-26. Review status: criteria provided, single submitter. Criteria: GeneDx Variant Classification Process June 2021. Collection method: clinical testing. Allele origin: germline. Affected: yes.
Comment: Canonical splice site variant predicted to result in an in-frame deletion/insertion of a critical region; Not observed in large population cohorts (Lek et al., 2016); Has not been previously published as pathogenic or benign to our knowledge

NM_002397.5(MEF2C):c.637+2T>C

Gene: MEF2C (myocyte enhancer factor 2C; minus strand). Cytogenetic location: 5q14.3.
Variant type: single nucleotide variant.
Coding change: c.637+2T>C on transcript NM_002397.5 (MANE Select); the canonical splice donor site of the intron after coding-DNA position 637, T replaced by C.
Molecular consequence: splice donor variant.
Genome position (GRCh38, 1-based): chr5:88,749,068, A>G on the plus strand (T>C on the coding strand, the complement: MEF2C is on the minus strand). VCF-style: chr5-88749068-A-G. GRCh37 (hg19) VCF-style: chr5-88044885-A-G.
Other names: c.637+2T>C (NM_001364329.2, NM_001364330.2, NM_001364333.2 and 18 more transcripts); c.493+2T>C (NM_001364344.2, NM_001364354.2, NM_001364332.2 and 3 more transcripts); c.259+2T>C (NM_001364353.2, NM_001364356.2); c.631+2T>C (NM_001131005.2, NM_001364352.2, NM_001364343.2); c.691+2T>C (NM_001193347.1, NM_001364338.2); c.211+2T>C (NM_001364357.2).
Identifiers: ClinVar variation 419219 (VCV000419219.3), dbSNP rs1064793730, ClinGen allele CA16618221.